The following is an entry in ClinVar:

ClinVar aggregate classification (germline): Likely benign (1 of 4 stars; one submission).

gnomAD v4.1: 7 of 1,614,054 alleles (0.00043%); highest among the groups gnomAD compares: South Asian, 0.0011%; no homozygotes.

Submission:

CeGaT Center for Human Genetics Tuebingen
Classification: Likely benign. Last evaluated: 2025-09-01. Review status: criteria provided, single submitter. Criteria: CeGaT Center For Human Genetics Tuebingen Variant Classification Criteria Version 2. Collection method: clinical testing. Allele origin: germline. Affected: yes. Observed: 1 variant allele.
Comment: ZFHX3: BP1, BS2

NM_006885.4(ZFHX3):c.4774G>C (p.Asp1592His)

Genes: ZFHX3 (zinc finger homeobox 3; minus strand), ZFHX3-AS1 (ZFHX3 antisense RNA 1; plus strand). Cytogenetic location: 16q22.2.
Variant type: single nucleotide variant.
Coding change: c.4774G>C on transcript NM_006885.4 (MANE Select); coding-DNA position 4774, G replaced by C.
Protein change: p.Asp1592His; replaces aspartic acid 1592 with histidine.
Molecular consequence: missense variant.
Genome position (GRCh38, 1-based): chr16:72,797,908, C>G on the plus strand (G>C on the coding strand, the complement: ZFHX3 is on the minus strand). VCF-style: chr16-72797908-C-G. GRCh37 (hg19) VCF-style: chr16-72831807-C-G.
Other names: c.2032G>C, p.Asp678His (NM_001164766.2); c.4774G>C, p.Asp1592His (NM_001386735.1); short protein forms D1592H, D678H.
Identifiers: ClinVar variation 4281517 (VCV004281517.7).